The following is an entry in ClinVar:

NM_014611.3(MDN1):c.1318T>G (p.Phe440Val)

Gene: MDN1 (midasin AAA ATPase 1; minus strand). Cytogenetic location: 6q15.
Variant type: single nucleotide variant.
Coding change: c.1318T>G on transcript NM_014611.3 (MANE Select); coding-DNA position 1318, T replaced by G.
Protein change: p.Phe440Val; replaces phenylalanine 440 with valine.
Molecular consequence: missense variant.
Genome position (GRCh38, 1-based): chr6:89,787,870, A>C on the plus strand (T>G on the coding strand, the complement: MDN1 is on the minus strand). VCF-style: chr6-89787870-A-C. GRCh37 (hg19) VCF-style: chr6-90497589-A-C.
Other names: c.1318T>G (NM_014611.2); short protein forms F440V.
Identifiers: ClinVar variation 1231787 (VCV001231787.5), dbSNP rs4707569, ClinGen allele CA3926066.

ClinVar aggregate classification (germline): Benign. Review status: criteria provided, single submitter (1 of 4 stars). 2 submissions from 2 submitters: Benign (1). 1 of the submissions does not count toward it. Last evaluated 2018-11-12.

Conditions:
MDN1-related disorder. Also called: MDN1-related condition.

Allele frequency attached by ClinVar (database versions not stated): 1000 Genomes Project 30x 0.15037; 1000 Genomes Project 0.15395; gnomAD exomes 0.16500 and 0.17283; ExAC 0.16595; TOPMed 0.16880; gnomAD 0.17087 and 0.17170; ESP Exome Variant Server 0.17338.
gnomAD v4.1: 278,515 of 1,612,006 alleles (17%); highest among the groups gnomAD compares: East Asian, 20%; 24,766 homozygotes.

Submissions (2):

GeneDx
Classification: Benign. Last evaluated: 2018-11-12. Review status: criteria provided, single submitter. Criteria: GeneDx Variant Classification Process June 2021. Collection method: clinical testing. Allele origin: germline. Affected: yes.

PreventionGenetics, part of Exact Sciences
Classification: Benign for MDN1-related condition. Last evaluated: 2019-10-21. Review status: no assertion criteria provided. Collection method: clinical testing. Allele origin: germline. Not counted in ClinVar's aggregate classification.
Comment: This variant is classified as benign based on ACMG/AMP sequence variant interpretation guidelines (Richards et al. 2015 PMID: 25741868, with internal and published modifications).